The following is an entry in ClinVar:

NM_020831.6(MRTFA):c.2671C>T (p.Pro891Ser)

Gene: MRTFA (myocardin related transcription factor A; minus strand). Cytogenetic location: 22q13.1.
Variant type: single nucleotide variant.
Coding change: c.2671C>T on transcript NM_020831.6 (MANE Select); coding-DNA position 2671, C replaced by T.
Protein change: p.Pro891Ser; replaces proline 891 with serine.
Molecular consequence: missense variant.
Genome position (GRCh38, 1-based): chr22:40,411,815, G>A on the plus strand (C>T on the coding strand, the complement: MRTFA is on the minus strand). VCF-style: chr22-40411815-G-A. GRCh37 (hg19) VCF-style: chr22-40807819-G-A.
Other names: c.2371C>T (NM_020831.3); c.2371C>T, p.Pro791Ser (NM_001282660.2); c.2521C>T, p.Pro841Ser (NM_001282661.3); c.2681C>T, p.Ala894Val (NM_001282662.3); c.2476C>T, p.Pro826Ser (NM_001318139.2); short protein forms A894V, P791S, P826S, P841S, P891S.
Identifiers: ClinVar variation 1682930 (VCV001682930.11), dbSNP rs770481742, ClinGen allele CA10249238.

ClinVar aggregate classification (germline): Conflicting classifications of pathogenicity. Review status: criteria provided, conflicting classifications (1 of 4 stars). 3 submissions from 3 submitters: Uncertain significance (1); Likely benign (2). Last evaluated 2025-12-01.

Allele frequency attached by ClinVar (database versions not stated): gnomAD exomes below 0.00001; TOPMed 0.00003; ExAC 0.00004; gnomAD 0.00009 and 0.00010.
gnomAD v4.1: 27 of 1,520,220 alleles (0.0018%); highest among the groups gnomAD compares: Admixed American, 0.032%; 2 homozygotes.

Submissions (3):

Labcorp Genetics (formerly Invitae), Labcorp
Classification: Uncertain significance. Last evaluated: 2025-12-01. Review status: criteria provided, single submitter. Criteria: Invitae Variant Classification Sherloc (09022015). Collection method: clinical testing. Allele origin: germline.
Comment: This sequence change replaces proline, which is neutral and non-polar, with serine, which is neutral and polar, at codon 791 of the MKL1 protein (p.Pro791Ser). The frequency data for this variant in the population databases is considered unreliable, as metrics indicate poor data quality at this position in the gnomAD database. This variant has not been reported in the literature in individuals affected with MKL1-related conditions. ClinVar contains an entry for this variant (Variation ID: 1682930). An algorithm developed to predict the effect of missense changes on protein structure and function outputs the following: PolyPhen-2: "Benign". The serine amino acid residue is found in multiple mammalian species, which suggests that this missense change does not adversely affect protein function. In summary, the available evidence is currently insufficient to determine the role of this variant in disease. Therefore, it has been classified as a Variant of Uncertain Significance.

Blueprint Genetics
Classification: Likely benign. Last evaluated: 2024-10-08. Review status: criteria provided, single submitter. Criteria: ACMG Guidelines, 2015. Collection method: clinical testing. Allele origin: germline.

Ambry Genetics
Classification: Likely benign. Last evaluated: 2023-03-24. Review status: criteria provided, single submitter. Criteria: Ambry Variant Classification Scheme 2023. Collection method: clinical testing. Allele origin: germline.